The following is an entry in ClinVar:

NM_018706.7(DHTKD1):c.1159+5G>A

Gene: DHTKD1 (dehydrogenase E1 and transketolase domain containing 1; plus strand). Cytogenetic location: 10p14.
Variant type: single nucleotide variant.
Coding change: c.1159+5G>A on transcript NM_018706.7 (MANE Select); 5 bases into the intron after coding-DNA position 1159, G replaced by A.
Molecular consequence: intron variant.
Genome position (GRCh38, 1-based): chr10:12,091,689, G>A. VCF-style: chr10-12091689-G-A. GRCh37 (hg19) VCF-style: chr10-12133688-G-A.
Other names: c.1159+5G>A (NM_018706.5).
Identifiers: ClinVar variation 2136843 (VCV002136843.6), dbSNP rs765325409, ClinGen allele CA5407761.

ClinVar aggregate classification (germline): Uncertain significance. Review status: criteria provided, multiple submitters, no conflicts (2 of 4 stars). 3 submissions from 3 submitters: Uncertain significance (3). Last evaluated 2023-07-25.

Conditions:
Inborn genetic diseases. Identifiers: MedGen C0950123, MeSH D030342.
2-aminoadipic 2-oxoadipic aciduria (AAKAD). Also called: ALPHA-AMINOADIPIC AND ALPHA-KETOADIPIC ACIDURIA; Aminoadipic aciduria. Identifiers: Orphanet 79154, MedGen C1859817, MONDO:0008774, OMIM 204750.

Allele frequency attached by ClinVar (database versions not stated): TOPMed below 0.00001; gnomAD 0.00001; ExAC 0.00003.
gnomAD v4.1: 25 of 1,612,314 alleles (0.0016%); highest among the groups gnomAD compares: Admixed American, 0.0067%; no homozygotes.

Submissions (3):

GeneDx
Classification: Uncertain significance. Last evaluated: 2023-07-25. Review status: criteria provided, single submitter. Criteria: GeneDx Variant Classification Process June 2021. Collection method: clinical testing. Allele origin: germline. Affected: yes.
Comment: Observed with another variant in a patient with DHTKD1-related 2-aminoadipic 2-oxoadipic aciduria in published literature; however, it is unknown if the variants are on the same allele (in cis) or on opposite alleles (in trans) (Hagen et al., 2015); Intronic +5 splice site variant in a gene for which loss-of-function is a known mechanism of disease, and splice predictors support a deleterious effect; This variant is associated with the following publications: (PMID: 25860818)

Labcorp Genetics (formerly Invitae), Labcorp
Classification: Uncertain significance for 2-aminoadipic 2-oxoadipic aciduria. Last evaluated: 2022-07-12. Review status: criteria provided, single submitter. Criteria: Invitae Variant Classification Sherloc (09022015). Collection method: clinical testing. Allele origin: germline.
Comment: This variant is present in population databases (rs765325409, gnomAD 0.01%). This sequence change falls in intron 6 of the DHTKD1 gene. It does not directly change the encoded amino acid sequence of the DHTKD1 protein. It affects a nucleotide within the consensus splice site. This variant has been observed in individual(s) with 2-aminoadipic 2-oxoadipic aciduria (PMID: 25860818). Variants that disrupt the consensus splice site are a relatively common cause of aberrant splicing (PMID: 17576681, 9536098). Algorithms developed to predict the effect of sequence changes on RNA splicing suggest that this variant may disrupt the consensus splice site. In summary, the available evidence is currently insufficient to determine the role of this variant in disease. Therefore, it has been classified as a Variant of Uncertain Significance.

Ambry Genetics
Classification: Uncertain significance for Inborn genetic diseases. Last evaluated: 2021-11-03. Review status: criteria provided, single submitter. Criteria: Ambry Variant Classification Scheme 2023. Collection method: clinical testing. Allele origin: germline.
Comment: The c.1159+5G>A intronic alteration consists of a G to A substitution nucleotides after coding exon 6 in the DHTKD1 gene. Based on insufficient or conflicting evidence, the clinical significance of this alteration remains unclear.

Literature cited by the submitters: PubMed 25860818 (cited by Labcorp Genetics (formerly Invitae), Labcorp and Ambry Genetics); PubMed 17576681 (cited by Labcorp Genetics (formerly Invitae), Labcorp); PubMed 9536098 (cited by Labcorp Genetics (formerly Invitae), Labcorp).